The following is an entry in ClinVar:

ClinVar aggregate classification (germline): Conflicting classifications of pathogenicity. Review status: criteria provided, conflicting classifications (1 of 4 stars). 2 submissions from 2 submitters: Uncertain significance (1); Likely benign (1). Last evaluated 2024-09-20.

Conditions:
Neurodevelopmental disorder with cerebellar atrophy and motor dysfunction. Identifiers: MedGen C5543427, MONDO:0859152, OMIM 619333.

Allele frequency attached by ClinVar (database versions not stated): gnomAD exomes below 0.00001; TOPMed 0.00001; gnomAD 0.00003; ESP Exome Variant Server 0.00008.

Submissions (2):

3billion
Classification: Likely benign for Neurodevelopmental disorder with cerebellar atrophy and motor dysfunction. Last evaluated: 2024-09-20. Review status: criteria provided, single submitter. Criteria: ACMG Guidelines, 2015. Collection method: clinical testing. Allele origin: germline. Affected: no.
Comment: The homozygous variant was found in patients diagnosed with another variant in a different gene, with no symptoms related to the gene containing the homozygous variant.

Revvity Omics, Revvity
Classification: Uncertain significance for Neurodevelopmental disorder with cerebellar atrophy and motor dysfunction. Last evaluated: 2022-05-02. Review status: criteria provided, single submitter. Criteria: ACMG Guidelines, 2015. Collection method: clinical testing. Allele origin: germline.

NM_015465.5(GEMIN5):c.4496dup (p.Tyr1499Ter)

Gene: GEMIN5 (gem nuclear organelle associated protein 5; minus strand). Cytogenetic location: 5q33.2.
Variant type: Duplication.
Coding change: c.4496dup on transcript NM_015465.5 (MANE Select); coding-DNA position 4496, one base duplicated (A; older notation c.4496dupA).
Protein change: p.Tyr1499Ter; replaces tyrosine 1499 with a stop codon.
Molecular consequence: nonsense.
Genome position (GRCh38, 1-based): chr5:154,888,241, T duplicated on the plus strand (A on the coding strand, the reverse complement: GEMIN5 is on the minus strand). VCF-style (leftmost placement, unchanged base first): chr5-154888240-G-GT. GRCh37 (hg19) VCF-style: chr5-154267800-G-GT.
Other names: c.4493dup, p.Tyr1498Ter (NM_001252156.2); short protein forms Y1498*, Y1499*.
Identifiers: ClinVar variation 2432109 (VCV002432109.4), dbSNP rs868028669, ClinGen allele CA130109036.